The following is an entry in ClinVar:

ClinVar aggregate classification (germline): Uncertain significance. Review status: criteria provided, multiple submitters, no conflicts (2 of 4 stars). 2 submissions from 2 submitters: Uncertain significance (2). Last evaluated 2025-03-13.

Conditions:
Craniolenticulosutural dysplasia (CLSD). Also called: BOYADJIEV-JABS SYNDROME. Identifiers: Orphanet 50814, MedGen C1843042, MONDO:0011911, OMIM 607812.

Submissions (2):

GeneDx
Classification: Uncertain significance. Last evaluated: 2025-03-13. Review status: criteria provided, single submitter. Criteria: GeneDx Variant Classification Process June 2021. Collection method: clinical testing. Allele origin: germline. Affected: yes.
Comment: De novo variant by exome sequencing in an individual with delayed closure of the anterior fontanel, short stature, dysmorphisms and intellectual disability (PMID: 38275611); Not observed at significant frequency in large population cohorts (gnomAD); In silico analysis supports that this missense variant has a deleterious effect on protein structure/function; Variants in candidate genes are classified as variants of uncertain significance in accordance with ACMG guidelines (PMID: 25741868); This variant is associated with the following publications: (PMID: 38275611, 35982159, 33057194)

Labcorp Genetics (formerly Invitae), Labcorp
Classification: Uncertain significance for Craniolenticulosutural dysplasia. Last evaluated: 2024-11-27. Review status: criteria provided, single submitter. Criteria: Invitae Variant Classification Sherloc (09022015). Collection method: clinical testing. Allele origin: germline.
Comment: This sequence change replaces arginine, which is basic and polar, with cysteine, which is neutral and slightly polar, at codon 716 of the SEC23A protein (p.Arg716Cys). This variant is not present in population databases (gnomAD no frequency). This variant has not been reported in the literature in individuals affected with SEC23A-related conditions. ClinVar contains an entry for this variant (Variation ID: 1212127). Invitae Evidence Modeling of protein sequence and biophysical properties (such as structural, functional, and spatial information, amino acid conservation, physicochemical variation, residue mobility, and thermodynamic stability) indicates that this missense variant is expected to disrupt SEC23A protein function with a positive predictive value of 80%. In summary, the available evidence is currently insufficient to determine the role of this variant in disease. Therefore, it has been classified as a Variant of Uncertain Significance.

NM_006364.4(SEC23A):c.2146C>T (p.Arg716Cys)

Gene: SEC23A (SEC23 homolog A, COPII component; minus strand). Cytogenetic location: 14q21.1.
Variant type: single nucleotide variant.
Coding change: c.2146C>T on transcript NM_006364.4 (MANE Select); coding-DNA position 2146, C replaced by T.
Protein change: p.Arg716Cys; replaces arginine 716 with cysteine.
Molecular consequence: missense variant.
Genome position (GRCh38, 1-based): chr14:39,039,093, G>A on the plus strand (C>T on the coding strand, the complement: SEC23A is on the minus strand). VCF-style: chr14-39039093-G-A. GRCh37 (hg19) VCF-style: chr14-39508297-G-A.
Other names: short protein forms R716C.
Identifiers: ClinVar variation 1212127 (VCV001212127.7), dbSNP rs2139182425, ClinGen allele CA389528643.
Genomic context (GRCh38, chr14:39,039,093, plus strand): 5'-GCCCCCAGGCATACATATTATTATGAGTCTGTGAAGGGTTGACTTTTGAAAGGAGGAAAC[G>A]GGCCTTAAAAGCAAAGAAGAAATAACATTATCCATCAAAAATGGTTTCAGTCAATATCAG-3'
Protein context (NP_006355.2, residues 706-726): IDTEHGGSQA[Arg716Cys]FLLSKVNPSQ